The following is an entry in ClinVar:

NM_001134363.3(RBM20):c.2374G>A (p.Glu792Lys)

Gene: RBM20 (RNA binding motif protein 20; plus strand). Cytogenetic location: 10q25.2.
Variant type: single nucleotide variant.
Coding change: c.2374G>A on transcript NM_001134363.3 (MANE Select); coding-DNA position 2374, G replaced by A.
Protein change: p.Glu792Lys; replaces glutamic acid 792 with lysine.
Molecular consequence: missense variant.
Genome position (GRCh38, 1-based): chr10:110,812,771, G>A. VCF-style: chr10-110812771-G-A. GRCh37 (hg19) VCF-style: chr10-112572529-G-A.
Other names: short protein forms E792K.
Identifiers: ClinVar variation 1374951 (VCV001374951.6), dbSNP rs2135105925, ClinGen allele CA378373612.

ClinVar aggregate classification (germline): Uncertain significance (1 of 4 stars; one submission).

Conditions:
Dilated cardiomyopathy 1DD (CMD1DD). Identifiers: Orphanet 154, MedGen C2750995, MONDO:0013168, OMIM 613172.

Submission:

Labcorp Genetics (formerly Invitae), Labcorp
Classification: Uncertain significance for Dilated cardiomyopathy 1DD. Last evaluated: 2024-08-07. Review status: criteria provided, single submitter. Criteria: Invitae Variant Classification Sherloc (09022015). Collection method: clinical testing. Allele origin: germline.
Comment: This sequence change replaces glutamic acid, which is acidic and polar, with lysine, which is basic and polar, at codon 792 of the RBM20 protein (p.Glu792Lys). This variant is not present in population databases (gnomAD no frequency). This variant has not been reported in the literature in individuals affected with RBM20-related conditions. ClinVar contains an entry for this variant (Variation ID: 1374951). Advanced modeling of protein sequence and biophysical properties (such as structural, functional, and spatial information, amino acid conservation, physicochemical variation, residue mobility, and thermodynamic stability) performed at Invitae indicates that this missense variant is not expected to disrupt RBM20 protein function with a negative predictive value of 95%. In summary, the available evidence is currently insufficient to determine the role of this variant in disease. Therefore, it has been classified as a Variant of Uncertain Significance.